The following is an entry in ClinVar:

ClinVar aggregate classification (germline): Uncertain significance (1 of 4 stars; one submission).

Allele frequency attached by ClinVar (database versions not stated): gnomAD exomes below 0.00001.

Submission:

GeneDx
Classification: Uncertain significance. Last evaluated: 2022-09-23. Review status: criteria provided, single submitter. Criteria: GeneDx Variant Classification Process June 2021. Collection method: clinical testing. Allele origin: germline. Affected: yes.
Comment: Not observed at significant frequency in large population cohorts (gnomAD); Has not been previously published as pathogenic or benign to our knowledge; Regulatory variants have not been reported in the Human Gene Mutation Database in individuals with NEFH-related disorders (HGMD). In the absence of RNA/functional studies, the actual effect of this sequence change is unknown

NM_021076.4(NEFH):c.-3G>A

Gene: NEFH (neurofilament heavy chain; plus strand). Cytogenetic location: 22q12.2.
Variant type: single nucleotide variant.
Coding change: c.-3G>A on transcript NM_021076.4 (MANE Select); 3 bases upstream of the start codon, G replaced by A.
Molecular consequence: 5 prime UTR variant.
Genome position (GRCh38, 1-based): chr22:29,480,260, G>A. VCF-style: chr22-29480260-G-A. GRCh37 (hg19) VCF-style: chr22-29876249-G-A.
Identifiers: ClinVar variation 2446273 (VCV002446273.1), dbSNP rs1175027912, ClinGen allele CA638955357.